The following is an entry in ClinVar:

ClinVar aggregate classification (germline): Uncertain significance (1 of 4 stars; one submission).

Allele frequency attached by ClinVar (database versions not stated): TOPMed below 0.00001; gnomAD 0.00001.
gnomAD v4.1: 1 of 1,612,496 alleles (0.000062%); highest among the groups gnomAD compares: Non-Finnish European, 0.000085%; no homozygotes.

Submission:

GeneDx
Classification: Uncertain significance. Last evaluated: 2023-02-27. Review status: criteria provided, single submitter. Criteria: GeneDx Variant Classification Process June 2021. Collection method: clinical testing. Allele origin: germline. Affected: yes.
Comment: Not observed at significant frequency in large population cohorts (gnomAD); In silico analysis supports that this missense variant has a deleterious effect on protein structure/function; In silico analysis supports a deleterious effect on splicing; Has not been previously published as pathogenic or benign to our knowledge

NM_012398.3(PIP5K1C):c.219G>C (p.Lys73Asn)

Gene: PIP5K1C (phosphatidylinositol-4-phosphate 5-kinase type 1 gamma; minus strand). Cytogenetic location: 19p13.3.
Variant type: single nucleotide variant.
Coding change: c.219G>C on transcript NM_012398.3 (MANE Select); coding-DNA position 219, G replaced by C.
Protein change: p.Lys73Asn; replaces lysine 73 with asparagine.
Molecular consequence: missense variant.
Genome position (GRCh38, 1-based): chr19:3,664,822, C>G on the plus strand (G>C on the coding strand, the complement: PIP5K1C is on the minus strand). VCF-style: chr19-3664822-C-G. GRCh37 (hg19) VCF-style: chr19-3664820-C-G.
Other names: c.219G>C, p.Lys73Asn (NM_001195733.2, NM_001300849.2); short protein forms K73N.
Identifiers: ClinVar variation 2577574 (VCV002577574.1), dbSNP rs1025052908, ClinGen allele CA304375314.